The following is an entry in ClinVar:

NM_015338.6(ASXL1):c.1309A>G (p.Lys437Glu)

Gene: ASXL1 (ASXL transcriptional regulator 1; plus strand). Cytogenetic location: 20q11.21.
Variant type: single nucleotide variant.
Coding change: c.1309A>G on transcript NM_015338.6 (MANE Select); coding-DNA position 1309, A replaced by G.
Protein change: p.Lys437Glu; replaces lysine 437 with glutamic acid.
Molecular consequence: missense variant.
Genome position (GRCh38, 1-based): chr20:32,433,507, A>G. VCF-style: chr20-32433507-A-G. GRCh37 (hg19) VCF-style: chr20-31021310-A-G.
Other names: c.1126A>G, p.Lys376Glu (NM_001363734.1); short protein forms K376E, K437E.
Identifiers: ClinVar variation 3955074 (VCV003955074.1).

ClinVar aggregate classification (germline): Uncertain significance (1 of 4 stars; one submission).

Conditions:
Inborn genetic diseases. Identifiers: MedGen C0950123, MeSH D030342.

Submission:

Ambry Genetics
Classification: Uncertain significance for Inborn genetic diseases. Last evaluated: 2025-03-22. Review status: criteria provided, single submitter. Criteria: Ambry Variant Classification Scheme 2023. Collection method: clinical testing. Allele origin: germline.
Comment: The p.K437E variant (also known as c.1309A>G), located in coding exon 12 of the ASXL1 gene, results from an A to G substitution at nucleotide position 1309. The lysine at codon 437 is replaced by glutamic acid, an amino acid with similar properties. This amino acid position is conserved. In addition, this alteration is predicted to be tolerated by in silico analysis. Based on the available evidence, the clinical significance of this variant remains unclear.